The following is an entry in ClinVar:

ClinVar aggregate classification (germline): Uncertain significance. Review status: criteria provided, multiple submitters, no conflicts (2 of 4 stars). 2 submissions from 2 submitters: Uncertain significance (2). Last evaluated 2023-03-16.

Allele frequency attached by ClinVar (database versions not stated): gnomAD 0.00001; gnomAD exomes 0.00002.
gnomAD v4.1: 35 of 1,614,116 alleles (0.0022%); highest among the groups gnomAD compares: Non-Finnish European, 0.0029%; no homozygotes.

Submissions (2):

Labcorp Genetics (formerly Invitae), Labcorp
Classification: Uncertain significance. Last evaluated: 2023-03-16. Review status: criteria provided, single submitter. Criteria: Invitae Variant Classification Sherloc (09022015). Collection method: clinical testing. Allele origin: germline.
Comment: In summary, the available evidence is currently insufficient to determine the role of this variant in disease. Therefore, it has been classified as a Variant of Uncertain Significance. An algorithm developed to predict the effect of missense changes on protein structure and function (PolyPhen-2) suggests that this variant is likely to be disruptive. ClinVar contains an entry for this variant (Variation ID: 2222333). This variant has not been reported in the literature in individuals affected with CXCR2-related conditions. This variant is present in population databases (no rsID available, gnomAD 0.007%). This sequence change replaces threonine, which is neutral and polar, with isoleucine, which is neutral and non-polar, at codon 204 of the CXCR2 protein (p.Thr204Ile).

Ambry Genetics
Classification: Uncertain significance. Last evaluated: 2021-08-02. Review status: criteria provided, single submitter. Criteria: Ambry Variant Classification Scheme 2023. Collection method: clinical testing. Allele origin: germline.

NM_001557.4(CXCR2):c.611C>T (p.Thr204Ile)

Gene: CXCR2 (C-X-C motif chemokine receptor 2; plus strand). Cytogenetic location: 2q35.
Variant type: single nucleotide variant.
Coding change: c.611C>T on transcript NM_001557.4 (MANE Select); coding-DNA position 611, C replaced by T.
Protein change: p.Thr204Ile; replaces threonine 204 with isoleucine.
Molecular consequence: missense variant.
Genome position (GRCh38, 1-based): chr2:218,135,412, C>T. VCF-style: chr2-218135412-C-T. GRCh37 (hg19) VCF-style: chr2-219000135-C-T.
Other names: c.611C>T, p.Thr204Ile (NM_001168298.2); short protein forms T204I.
Identifiers: ClinVar variation 2222333 (VCV002222333.5), dbSNP rs1473048332, ClinGen allele CA350530666.